The following is an entry in ClinVar:

ClinVar aggregate classification (germline): Uncertain significance (1 of 4 stars; one submission).

gnomAD v4.1: 1 of 1,613,572 alleles (0.000062%); highest among the groups gnomAD compares: Non-Finnish European, 0.000085%; no homozygotes.

Submission:

GeneDx
Classification: Uncertain significance. Last evaluated: 2026-04-02. Review status: criteria provided, single submitter. Criteria: GeneDx Variant Classification Process June 2021. Collection method: clinical testing. Allele origin: germline.
Comment: Reported as de novo in a patient in published literature from a cohort of individuals with autism spectrum disorder; however, detailed clinical information was not provided, and the patient harbored additional de novo variants (PMID: 35982160); Not observed at significant frequency in large population cohorts (gnomAD); In silico analysis suggests that this missense variant does not alter protein structure/function; This variant is associated with the following publications: (PMID: 35982159, 35982160, 27535533)

NM_004397.6(DDX6):c.38G>A (p.Gly13Asp)

Gene: DDX6 (DEAD-box helicase 6; minus strand). Cytogenetic location: 11q23.3.
Variant type: single nucleotide variant.
Coding change: c.38G>A on transcript NM_004397.6 (MANE Select); coding-DNA position 38, G replaced by A.
Protein change: p.Gly13Asp; replaces glycine 13 with aspartic acid.
Molecular consequence: missense variant. On other transcripts: intron variant (1).
Genome position (GRCh38, 1-based): chr11:118,786,214, C>T on the plus strand (G>A on the coding strand, the complement: DDX6 is on the minus strand). VCF-style: chr11-118786214-C-T. GRCh37 (hg19) VCF-style: chr11-118656923-C-T.
Other names: c.38G>A, p.Gly13Asp (NM_001257191.3, NM_001425145.1, NM_001425146.1 and 7 more transcripts); c.-125+4884G>A (NM_001425154.1); short protein forms G13D.
Identifiers: ClinVar variation 5016739 (VCV005016739.1).